The following is an entry in ClinVar:

ClinVar aggregate classification (germline): Uncertain significance (1 of 4 stars; one submission).

Conditions:
Long QT syndrome (LQTS). Identifiers: MedGen C0023976, MeSH D008133, MONDO:0002442. Disease mechanism: loss of function. Inheritance: Various modes of inheritance.

Allele frequency attached by ClinVar (database versions not stated): ExAC 0.00001; gnomAD 0.00001; gnomAD exomes 0.00001.
gnomAD v4.1: 4 of 1,613,856 alleles (0.00025%); highest among the groups gnomAD compares: Non-Finnish European, 0.00034%; no homozygotes.

Submission:

Labcorp Genetics (formerly Invitae), Labcorp
Classification: Uncertain significance for Long QT syndrome. Last evaluated: 2021-12-12. Review status: criteria provided, single submitter. Criteria: Invitae Variant Classification Sherloc (09022015). Collection method: clinical testing. Allele origin: germline.
Comment: In summary, the available evidence is currently insufficient to determine the role of this variant in disease. Therefore, it has been classified as a Variant of Uncertain Significance. Algorithms developed to predict the effect of missense changes on protein structure and function are either unavailable or do not agree on the potential impact of this missense change (SIFT: "Tolerated"; PolyPhen-2: "Possibly Damaging"; Align-GVGD: "Class C0"). This variant has not been reported in the literature in individuals affected with ANK2-related conditions. This variant is present in population databases (rs753965028, gnomAD no frequency). This sequence change replaces isoleucine, which is neutral and non-polar, with valine, which is neutral and non-polar, at codon 1551 of the ANK2 protein (p.Ile1551Val).

NM_001148.6(ANK2):c.4651A>G (p.Ile1551Val)

Gene: ANK2 (ankyrin 2; plus strand). Cytogenetic location: 4q26.
Variant type: single nucleotide variant.
Coding change: c.4651A>G on transcript NM_001148.6 (MANE Select); coding-DNA position 4651, A replaced by G.
Protein change: p.Ile1551Val; replaces isoleucine 1551 with valine.
Molecular consequence: missense variant. On other transcripts: intron variant (68).
Genome position (GRCh38, 1-based): chr4:113,353,269, A>G. VCF-style: chr4-113353269-A-G. GRCh37 (hg19) VCF-style: chr4-114274425-A-G.
Other names: c.4417A>G, p.Ile1473Val (NM_001386142.1); c.1051A>G, p.Ile351Val (NM_001386166.1); c.4792A>G, p.Ile1598Val (NM_001386174.1); c.4768A>G, p.Ile1590Val (NM_001386175.1); c.4411+3020A>G (NM_001386186.2, NM_001386148.2); c.4213+3020A>G (NM_001354269.3); c.4291+3020A>G (NM_001386187.2); c.4252+3020A>G (NM_001386147.1); and 35 more; short protein forms I1590V, I1598V, I351V, I1473V, I1551V.
Identifiers: ClinVar variation 2156215 (VCV002156215.4), dbSNP rs753965028, ClinGen allele CA3051129.